The following is an entry in ClinVar:

ClinVar aggregate classification (germline): Uncertain significance (1 of 4 stars; one submission).

Conditions:
Nephronophthisis 11 (NPHP11). Identifiers: Orphanet 84081, MedGen C3150796, MONDO:0013302, OMIM 613550.

Submission:

MVZ Medizinische Genetik Mainz
Classification: Uncertain significance for Nephronophthisis 11. Last evaluated: 2022-02-09. Review status: criteria provided, single submitter. Criteria: UK Practice Guidelines For Variant Classification V4 01 2020. Collection method: clinical testing. Allele origin: germline. Inheritance: Autosomal recessive inheritance. Affected: yes. Observed: 1 variant allele.
Comment: ACMG Criteria: PM2_SUP, PM3_SUP, PM5, PP3

NM_153704.6(TMEM67):c.2878G>T (p.Ala960Ser)

Gene: TMEM67 (transmembrane protein 67; plus strand). Cytogenetic location: 8q22.1.
Variant type: single nucleotide variant.
Coding change: c.2878G>T on transcript NM_153704.6 (MANE Select); coding-DNA position 2878, G replaced by T.
Protein change: p.Ala960Ser; replaces alanine 960 with serine.
Molecular consequence: missense variant. On other transcripts: non-coding transcript variant (1).
Genome position (GRCh38, 1-based): chr8:93,815,418, G>T. VCF-style: chr8-93815418-G-T. GRCh37 (hg19) VCF-style: chr8-94827646-G-T.
Other names: c.2635G>T, p.Ala879Ser (NM_001142301.1); short protein forms A879S, A960S.
Identifiers: ClinVar variation 3236203 (VCV003236203.1), dbSNP rs2536968032, ClinGen allele CA371701314.